The following is an entry in ClinVar:

ClinVar aggregate classification (germline): Likely benign. Review status: criteria provided, multiple submitters, no conflicts (2 of 4 stars). 2 submissions from 2 submitters: Likely benign (2). Last evaluated 2024-11-25.

Allele frequency attached by ClinVar (database versions not stated): 1000 Genomes Project 0.00100; 1000 Genomes Project 30x 0.00109; ESP Exome Variant Server 0.00146; TOPMed 0.00181; gnomAD exomes 0.00188; ExAC 0.00192.
gnomAD v4.1: 2,996 of 1,614,022 alleles (0.19%); highest among the groups gnomAD compares: Middle Eastern, 0.26%; 7 homozygotes.

Submissions (2):

Blueprint Genetics
Classification: Likely benign. Last evaluated: 2024-11-25. Review status: criteria provided, single submitter. Criteria: ACMG Guidelines, 2015. Collection method: clinical testing. Allele origin: germline.

CeGaT Center for Human Genetics Tuebingen
Classification: Likely benign. Last evaluated: 2022-03-01. Review status: criteria provided, single submitter. Criteria: CeGaT Center For Human Genetics Tuebingen Variant Classification Criteria Version 2. Collection method: clinical testing. Allele origin: germline. Affected: yes. Observed: 1 variant allele.
Comment: TMC2: BP4, BP7

NM_080751.3(TMC2):c.2448G>A (p.Glu816=)

Gene: TMC2 (transmembrane channel like 2; plus strand). Cytogenetic location: 20p13.
Variant type: single nucleotide variant.
Coding change: c.2448G>A on transcript NM_080751.3 (MANE Select); coding-DNA position 2448, G replaced by A.
Protein change: p.Glu816=; no amino-acid change (glutamic acid 816 retained).
Molecular consequence: synonymous variant.
Genome position (GRCh38, 1-based): chr20:2,637,536, G>A. VCF-style: chr20-2637536-G-A. GRCh37 (hg19) VCF-style: chr20-2618182-G-A.
Identifiers: ClinVar variation 2652150 (VCV002652150.25), dbSNP rs141449402, ClinGen allele CA9733971.